The following is an entry in ClinVar:

ClinVar aggregate classification (germline): Uncertain significance (1 of 4 stars; one submission).

Allele frequency attached by ClinVar (database versions not stated): TOPMed below 0.00001.
gnomAD v4.1: 1 of 1,472,630 alleles (0.000068%); highest among the groups gnomAD compares: Non-Finnish European, 0.000089%; no homozygotes.

Submission:

Labcorp Genetics (formerly Invitae), Labcorp
Classification: Uncertain significance. Last evaluated: 2025-07-16. Review status: criteria provided, single submitter. Criteria: Invitae Variant Classification Sherloc (09022015). Collection method: clinical testing. Allele origin: germline.
Comment: This sequence change replaces alanine, which is neutral and non-polar, with threonine, which is neutral and polar, at codon 339 of the BCL11B protein (p.Ala339Thr). This variant is not present in population databases (gnomAD no frequency). This variant has not been reported in the literature in individuals affected with BCL11B-related conditions. ClinVar contains an entry for this variant (Variation ID: 3008184). Invitae Evidence Modeling of protein sequence and biophysical properties (such as structural, functional, and spatial information, amino acid conservation, physicochemical variation, residue mobility, and thermodynamic stability) indicates that this missense variant is not expected to disrupt BCL11B protein function with a negative predictive value of 95%. In summary, the available evidence is currently insufficient to determine the role of this variant in disease. Therefore, it has been classified as a Variant of Uncertain Significance.

NM_138576.4(BCL11B):c.1015G>A (p.Ala339Thr)

Gene: BCL11B (BCL11 transcription factor B; minus strand). Cytogenetic location: 14q32.2.
Variant type: single nucleotide variant.
Coding change: c.1015G>A on transcript NM_138576.4 (MANE Select); coding-DNA position 1015, G replaced by A.
Protein change: p.Ala339Thr; replaces alanine 339 with threonine.
Molecular consequence: missense variant.
Genome position (GRCh38, 1-based): chr14:99,175,821, C>T on the plus strand (G>A on the coding strand, the complement: BCL11B is on the minus strand). VCF-style: chr14-99175821-C-T. GRCh37 (hg19) VCF-style: chr14-99642158-C-T.
Other names: c.1012G>A, p.Ala338Thr (NM_001282237.2); c.799G>A, p.Ala267Thr (NM_001282238.2); c.802G>A, p.Ala268Thr (NM_022898.3); short protein forms A267T, A338T, A268T, A339T.
Identifiers: ClinVar variation 3008184 (VCV003008184.3), dbSNP rs1595216473, ClinGen allele CA390936293.